The following is an entry in ClinVar:

ClinVar aggregate classification (germline): Pathogenic (1 of 4 stars; one submission).

Conditions:
Odonto-onycho-dermal dysplasia. Identifiers: Orphanet 2721, MedGen C0796093, MONDO:0009773, OMIM 257980.
Tooth agenesis, selective, 4 (STHAG4). Also called: LATERAL INCISORS, ABSENCE OF; LATERAL INCISORS, PEGGED OR MISSING; SUCCEDANEOUS TEETH, AGENESIS OF; TOOTH AGENESIS, SELECTIVE, 4, WITH OR WITHOUT ECTODERMAL DYSPLASIA. Identifiers: Orphanet 99798, MedGen C1835492, MONDO:0007881, OMIM 150400. Disease mechanism: loss of function.

Submission:

Labcorp Genetics (formerly Invitae), Labcorp
Classification: Pathogenic for Tooth agenesis, selective, 4; Odonto-onycho-dermal dysplasia. Last evaluated: 2023-02-03. Review status: criteria provided, single submitter. Criteria: Invitae Variant Classification Sherloc (09022015). Collection method: clinical testing. Allele origin: germline.
Comment: This sequence change creates a premature translational stop signal (p.Trp23*) in the WNT10A gene. It is expected to result in an absent or disrupted protein product. Loss-of-function variants in WNT10A are known to be pathogenic (PMID: 17847007, 22581971, 25629078). This variant is not present in population databases (gnomAD no frequency). This variant has not been reported in the literature in individuals affected with WNT10A-related conditions. For these reasons, this variant has been classified as Pathogenic.

Literature cited by the submitters: PubMed 17847007; PubMed 22581971; PubMed 25629078.

NM_025216.3(WNT10A):c.69G>A (p.Trp23Ter)

Gene: WNT10A (Wnt family member 10A; plus strand). Cytogenetic location: 2q35.
Variant type: single nucleotide variant.
Coding change: c.69G>A on transcript NM_025216.3 (MANE Select); coding-DNA position 69, G replaced by A.
Protein change: p.Trp23Ter; replaces tryptophan 23 with a stop codon.
Molecular consequence: nonsense.
Genome position (GRCh38, 1-based): chr2:218,881,064, G>A. VCF-style: chr2-218881064-G-A. GRCh37 (hg19) VCF-style: chr2-219745786-G-A.
Other names: short protein forms W23*.
Identifiers: ClinVar variation 2931680 (VCV002931680.3), dbSNP rs2470301392, ClinGen allele CA350616987.